The following is an entry in ClinVar:

ClinVar aggregate classification (germline): Conflicting classifications of pathogenicity. Review status: criteria provided, conflicting classifications (1 of 4 stars). 2 submissions from 2 submitters: Pathogenic (1); Uncertain significance (1). Last evaluated 2025-05-13.

Conditions:
Hereditary cancer-predisposing syndrome. Also called: Tumor predisposition; Hereditary Cancer Syndrome; Hereditary neoplastic syndrome; Neoplastic Syndromes, Hereditary. Identifiers: Orphanet 140162, MedGen C0027672, MeSH D009386, MONDO:0015356.

Submissions (2):

Ambry Genetics
Classification: Uncertain significance for Hereditary cancer-predisposing syndrome. Last evaluated: 2025-05-13. Review status: criteria provided, single submitter. Criteria: Ambry Variant Classification Scheme 2023. Collection method: clinical testing. Allele origin: germline.
Comment: The p.E1951* variant (also known as c.5851G>T), located in coding exon 43 of the POLE gene, results from a G to T substitution at nucleotide position 5851. This changes the amino acid from a glutamic acid to a stop codon within coding exon 43. This alteration is expected to result in loss of function by premature protein truncation or nonsense-mediated mRNA decay. Although biallelic loss of function of POLE has been associated with autosomal recessive POLE deficiency, haploinsufficiency of POLE has not been established as a mechanism of disease for POLE-related polymerase proofreading-associated polyposis (PPAP) and POLE-related CMMRD-like syndrome. Based on the supporting evidence, this variant is expected to be causative of POLE deficiency when present along with a second pathogenic variant on the other allele; however, its clinical significance for PPAP and POLE-related CMMRD-like syndrome is unclear.

Labcorp Genetics (formerly Invitae), Labcorp
Classification: Pathogenic. Last evaluated: 2022-05-12. Review status: criteria provided, single submitter. Criteria: Invitae Variant Classification Sherloc (09022015). Collection method: clinical testing. Allele origin: germline.
Comment: For these reasons, this variant has been classified as Pathogenic. This variant has not been reported in the literature in individuals affected with POLE-related conditions. This variant is not present in population databases (gnomAD no frequency). This sequence change creates a premature translational stop signal (p.Glu1951*) in the POLE gene. It is expected to result in an absent or disrupted protein product. Loss-of-function variants in POLE are known to be pathogenic (PMID: 23230001, 25948378, 30503519).

Literature cited by the submitters: PubMed 23230001 (cited by Labcorp Genetics (formerly Invitae), Labcorp); PubMed 25948378 (cited by Labcorp Genetics (formerly Invitae), Labcorp); PubMed 30503519 (cited by Labcorp Genetics (formerly Invitae), Labcorp).

NM_006231.4(POLE):c.5851G>T (p.Glu1951Ter)

Gene: POLE (DNA polymerase epsilon, catalytic subunit; minus strand). Cytogenetic location: 12q24.33.
Variant type: single nucleotide variant.
Coding change: c.5851G>T on transcript NM_006231.4 (MANE Select); coding-DNA position 5851, G replaced by T.
Protein change: p.Glu1951Ter; replaces glutamic acid 1951 with a stop codon.
Molecular consequence: nonsense.
Genome position (GRCh38, 1-based): chr12:132,634,339, C>A on the plus strand (G>T on the coding strand, the complement: POLE is on the minus strand). VCF-style: chr12-132634339-C-A. GRCh37 (hg19) VCF-style: chr12-133210925-C-A.
Other names: c.5851G>T (NM_006231.2); short protein forms E1951*.
Identifiers: ClinVar variation 1481348 (VCV001481348.7), dbSNP rs768917089, ClinGen allele CA387371785.
Genomic context (GRCh38, chr12:132,634,339, plus strand): 5'-TGGATTCCTCCGCCTCTTCCTCCTCCTCCCCATCTCTTTCCTCCTCATCGTCCTCATTTT[C>A]CTGCTCATCCTCTGCTCCCCCTGCTTTCTGGGAGTCTTGCTGTAACACATGAGACAACGC-3'